The following is an entry in ClinVar:

ClinVar aggregate classification (germline): Likely benign (1 of 4 stars; one submission).

gnomAD v4.1: 2 of 1,614,082 alleles (0.00012%); highest among the groups gnomAD compares: African/African-American, 0.0013%; no homozygotes.

Submission:

CeGaT Center for Human Genetics Tuebingen
Classification: Likely benign. Last evaluated: 2025-10-01. Review status: criteria provided, single submitter. Criteria: CeGaT Center For Human Genetics Tuebingen Variant Classification Criteria Version 2. Collection method: clinical testing. Allele origin: germline. Affected: yes. Observed: 1 variant allele.
Comment: CTR9: BP4, BP7

NM_014633.5(CTR9):c.1911A>G (p.Lys637=)

Gene: CTR9 (CTR9 component of Paf1/RNA polymerase II complex; plus strand). Cytogenetic location: 11p15.4.
Variant type: single nucleotide variant.
Coding change: c.1911A>G on transcript NM_014633.5 (MANE Select); coding-DNA position 1911, A replaced by G.
Protein change: p.Lys637=; no amino-acid change (lysine 637 retained).
Molecular consequence: synonymous variant.
Genome position (GRCh38, 1-based): chr11:10,768,112, A>G. VCF-style: chr11-10768112-A-G. GRCh37 (hg19) VCF-style: chr11-10789659-A-G.
Other names: c.1911A>G, p.Lys637= (NM_001346279.2).
Identifiers: ClinVar variation 4534983 (VCV004534983.6).